The following is an entry in ClinVar:

NM_005219.5(DIAPH1):c.253C>G (p.Gln85Glu)

Gene: DIAPH1 (diaphanous related formin 1; minus strand). Cytogenetic location: 5q31.3.
Variant type: single nucleotide variant.
Coding change: c.253C>G on transcript NM_005219.5 (MANE Select); coding-DNA position 253, C replaced by G.
Protein change: p.Gln85Glu; replaces glutamine 85 with glutamic acid.
Molecular consequence: missense variant.
Genome position (GRCh38, 1-based): chr5:141,587,089, G>C on the plus strand (C>G on the coding strand, the complement: DIAPH1 is on the minus strand). VCF-style: chr5-141587089-G-C. GRCh37 (hg19) VCF-style: chr5-140966656-G-C.
Other names: c.226C>G, p.Gln76Glu (NM_001079812.3); c.253C>G, p.Gln85Glu (NM_001314007.2); short protein forms Q76E, Q85E.
Identifiers: ClinVar variation 1941210 (VCV001941210.5), dbSNP rs2154596689, ClinGen allele CA361546398.

ClinVar aggregate classification (germline): Uncertain significance (1 of 4 stars; one submission).

Conditions:
Progressive microcephaly-seizures-cortical blindness-developmental delay syndrome. Also called: Seizures, cortical blindness, and microcephaly syndrome. Identifiers: Orphanet 477814, MedGen C5567650, MONDO:0014714, OMIM 616632.
Autosomal dominant nonsyndromic hearing loss 1. Also called: KONIGSMARK SYNDROME; DEAFNESS, AUTOSOMAL DOMINANT 1, WITH OR WITHOUT THROMBOCYTOPENIA. Identifiers: Orphanet 90635, MedGen C1852282, MONDO:0007424, OMIM 124900.

Submission:

Labcorp Genetics (formerly Invitae), Labcorp
Classification: Uncertain significance for Progressive microcephaly-seizures-cortical blindness-developmental delay syndrome; Autosomal dominant nonsyndromic hearing loss 1. Last evaluated: 2022-06-08. Review status: criteria provided, single submitter. Criteria: Invitae Variant Classification Sherloc (09022015). Collection method: clinical testing. Allele origin: germline.
Comment: This sequence change replaces glutamine, which is neutral and polar, with glutamic acid, which is acidic and polar, at codon 85 of the DIAPH1 protein (p.Gln85Glu). In summary, the available evidence is currently insufficient to determine the role of this variant in disease. Therefore, it has been classified as a Variant of Uncertain Significance. Algorithms developed to predict the effect of missense changes on protein structure and function are either unavailable or do not agree on the potential impact of this missense change (SIFT: "Deleterious"; PolyPhen-2: "Not Available"; Align-GVGD: "Class C0"). This variant has not been reported in the literature in individuals affected with DIAPH1-related conditions. This variant is not present in population databases (gnomAD no frequency).